The following is an entry in ClinVar:

ClinVar aggregate classification (germline): Uncertain significance (1 of 4 stars; one submission).

gnomAD v4.1: 2 of 1,614,100 alleles (0.00012%); highest among the groups gnomAD compares: South Asian, 0.0011%; no homozygotes.

Submission:

Dasa
Classification: Uncertain significance. Last evaluated: 2025-11-17. Review status: criteria provided, single submitter. Criteria: DASA Assertion Criteria. Collection method: clinical testing. Allele origin: germline.
Comment: NM_001007228.2(SPOP):c.553C>T (p.Arg185Trp) is a missense variant that results in the substitution of arginine with tryptophan. This variant is rare in population databases. The currently available literature and clinical evidence are not sufficient to establish a definitive association between this variant and the reported condition. Therefore, this variant is classified as a variant of uncertain significance.

NM_001007228.2(SPOP):c.553C>T (p.Arg185Trp)

Gene: SPOP (speckle type BTB/POZ protein; minus strand). Cytogenetic location: 17q21.33.
Variant type: single nucleotide variant.
Coding change: c.553C>T on transcript NM_001007228.2 (MANE Select); coding-DNA position 553, C replaced by T.
Protein change: p.Arg185Trp; replaces arginine 185 with tryptophan.
Molecular consequence: missense variant.
Genome position (GRCh38, 1-based): chr17:49,611,385, G>A on the plus strand (C>T on the coding strand, the complement: SPOP is on the minus strand). VCF-style: chr17-49611385-G-A. GRCh37 (hg19) VCF-style: chr17-47688747-G-A.
Other names: c.553C>T, p.Arg185Trp (NM_001007226.1, NM_001007227.1, NM_001007229.1 and 5 more transcripts); short protein forms R185W.
Identifiers: ClinVar variation 5020794 (VCV005020794.1).
Genomic context (GRCh38, chr17:49,611,385, plus strand): 5'-ACAAGCAGCAGTCTGTGAACCGGGAATTCTCCCACAGTCCTCCTAACTCATCTGCCAGCC[G>A]GCACTCAGGAACCTTTACCATGTTCATGGTATTCTGGCCAGAAATGTTGACAGAATCTTG-3'
Protein context (NP_001007229.1, residues 175-195): TMNMVKVPEC[Arg185Trp]LADELGGLWE